The following is an entry in ClinVar:

NM_000292.3(PHKA2):c.3146C>T (p.Ser1049Leu)

Gene: PHKA2 (phosphorylase kinase regulatory subunit alpha 2; minus strand). Cytogenetic location: Xp22.13.
Variant type: single nucleotide variant.
Coding change: c.3146C>T on transcript NM_000292.3 (MANE Select); coding-DNA position 3146, C replaced by T.
Protein change: p.Ser1049Leu; replaces serine 1049 with leucine.
Molecular consequence: missense variant.
Genome position (GRCh38, 1-based): chrX:18,897,299, G>A on the plus strand (C>T on the coding strand, the complement: PHKA2 is on the minus strand). VCF-style: chrX-18897299-G-A. GRCh37 (hg19) VCF-style: chrX-18915417-G-A.
Other names: c.3146C>T (NM_000292.2); short protein forms S1049L.
Identifiers: ClinVar variation 3233809 (VCV003233809.3), dbSNP rs137852287, ClinGen allele CA327028922.

ClinVar aggregate classification (germline): Uncertain significance. Review status: criteria provided, multiple submitters, no conflicts (2 of 4 stars). 2 submissions from 2 submitters: Uncertain significance (2). Last evaluated 2026-04-27.

Conditions:
Inborn genetic diseases. Identifiers: MedGen C0950123, MeSH D030342.

Allele frequency attached by ClinVar (database versions not stated): TOPMed 0.00003; gnomAD 0.00004; gnomAD exomes below 0.00001.
gnomAD v4.1: 6 of 1,209,043 alleles (0.0005%); highest among the groups gnomAD compares: African/African-American, 0.0087%; no homozygotes.

Submissions (2):

Ambry Genetics
Classification: Uncertain significance for Inborn genetic diseases. Last evaluated: 2026-04-27. Review status: criteria provided, single submitter. Criteria: Ambry Variant Classification Scheme 2023. Collection method: clinical testing. Allele origin: germline.
Comment: The c.3146C>T (p.S1049L) alteration is located in exon 30 (coding exon 30) of the PHKA2 gene. This alteration results from a C to T substitution at nucleotide position 3146, causing the serine (S) at amino acid position 1049 to be replaced by a leucine (L). Based on data from gnomAD, the T allele has an overall frequency of <0.001% (1/181936) total alleles studied. The highest observed frequency was 0.008% (1/13152) of African alleles. Based on insufficient or conflicting evidence, the clinical significance of this alteration remains unclear.

Women's Health and Genetics/Laboratory Corporation of America, LabCorp
Classification: Uncertain significance. Last evaluated: 2024-03-22. Review status: criteria provided, single submitter. Criteria: LabCorp Variant Classification Summary - May 2015. Collection method: clinical testing. Allele origin: germline.
Comment: Variant summary: PHKA2 c.3146C>T (p.Ser1049Leu) results in a non-conservative amino acid change in the encoded protein sequence. Three of five in-silico tools predict a benign effect of the variant on protein function. The variant allele was found at a frequency of 5.5e-06 in 181936 control chromosomes (gnomAD). The available data on variant occurrences in the general population are insufficient to allow any conclusion about variant significance. To our knowledge, no occurrence of c.3146C>T in individuals affected with Glycogen Phosphorylase Kinase Deficiency and no experimental evidence demonstrating its impact on protein function have been reported. No submitters have cited clinical-significance assessments for this variant to ClinVar. Based on the evidence outlined above, the variant was classified as uncertain significance.